The following is an entry in ClinVar:

ClinVar aggregate classification (germline): Conflicting classifications of pathogenicity. Review status: criteria provided, conflicting classifications (1 of 4 stars). 3 submissions from 3 submitters: Uncertain significance (2); Likely benign (1). Last evaluated 2025-04-28.

Conditions:
Cardiovascular phenotype. Identifiers: MedGen CN230736.
ZNF469-related disorder. Also called: ZNF469-related condition.

Allele frequency attached by ClinVar (database versions not stated): gnomAD exomes below 0.00001 and 0.00003; gnomAD 0.00001; TOPMed 0.00001.
gnomAD v4.1: 7 of 1,549,772 alleles (0.00045%); highest among the groups gnomAD compares: East Asian, 0.015%; no homozygotes.

Submissions (3):

PreventionGenetics, part of Exact Sciences
Classification: Uncertain significance for ZNF469-related condition. Last evaluated: 2025-04-28. Review status: criteria provided, single submitter. Criteria: ACMG Guidelines, 2015. Collection method: clinical testing. Allele origin: germline.
Comment: The ZNF469 c.7411C>A variant is predicted to result in the amino acid substitution p.Pro2471Thr. To our knowledge, this variant has not been reported in the literature. This variant is present in 0.049% of alleles in individuals of East Asian descent in gnomAD. At this time, the clinical significance of this variant is uncertain due to the absence of conclusive functional and genetic evidence.

Ambry Genetics
Classification: Likely benign for Cardiovascular phenotype. Last evaluated: 2024-06-21. Review status: criteria provided, single submitter. Criteria: Ambry Variant Classification Scheme 2023. Collection method: clinical testing. Allele origin: germline.

Labcorp Genetics (formerly Invitae), Labcorp
Classification: Uncertain significance. Last evaluated: 2022-07-06. Review status: criteria provided, single submitter. Criteria: Invitae Variant Classification Sherloc (09022015). Collection method: clinical testing. Allele origin: germline.
Comment: This sequence change replaces proline, which is neutral and non-polar, with threonine, which is neutral and polar, at codon 2471 of the ZNF469 protein (p.Pro2471Thr). This variant is present in population databases (no rsID available, gnomAD 0.05%). This variant has not been reported in the literature in individuals affected with ZNF469-related conditions. ClinVar contains an entry for this variant (Variation ID: 1465000). Algorithms developed to predict the effect of missense changes on protein structure and function (SIFT, PolyPhen-2, Align-GVGD) all suggest that this variant is likely to be tolerated. In summary, the available evidence is currently insufficient to determine the role of this variant in disease. Therefore, it has been classified as a Variant of Uncertain Significance.

NM_001367624.2(ZNF469):c.7495C>A (p.Pro2499Thr)

Gene: ZNF469 (zinc finger protein 469; plus strand). Cytogenetic location: 16q24.2.
Variant type: single nucleotide variant.
Coding change: c.7495C>A on transcript NM_001367624.2 (MANE Select); coding-DNA position 7495, C replaced by A.
Protein change: p.Pro2499Thr; replaces proline 2499 with threonine.
Molecular consequence: missense variant.
Genome position (GRCh38, 1-based): chr16:88,434,965, C>A. VCF-style: chr16-88434965-C-A. GRCh37 (hg19) VCF-style: chr16-88501373-C-A.
Other names: NM_001127464.1:c.7411C>A; NM_001127464.2:c.7411C>A; short protein forms P2499T.
Identifiers: ClinVar variation 1465000 (VCV001465000.5), dbSNP rs752436384, ClinGen allele CA397112785.
Genomic context (GRCh38, chr16:88,434,965, plus strand): 5'-GCCTCCTTCCGCTCCGGGCCGGGCCTGAGCCGGCACAAGGCCAGGAAGCACCGGCCACAC[C>A]CGGGAGCCCCCGCGGAGCCGAGCCCAGCGGCCTTGCCTGCTCAGCAGCCTCTAGAGCCCC-3'
Protein context (NP_001354553.1, residues 2489-2509): RHKARKHRPH[Pro2499Thr]GAPAEPSPAA